The following is an entry in ClinVar:

ClinVar aggregate classification (germline): Uncertain significance (0 of 4 stars; one submission).

Conditions:
TRIO-related disorder. Also called: TRIO-related condition; TRIO-related disorders.

Submission:

PreventionGenetics, part of Exact Sciences
Classification: Uncertain significance for TRIO-related condition. Last evaluated: 2024-07-16. Review status: no assertion criteria provided. Collection method: clinical testing. Allele origin: germline.
Comment: The TRIO c.8537G>C variant is predicted to result in the amino acid substitution p.Ser2846Thr. To our knowledge, this variant has not been reported in the literature or in a large population database, indicating this variant is rare. At this time, the clinical significance of this variant is uncertain due to the absence of conclusive functional and genetic evidence.

NM_007118.4(TRIO):c.8537G>C (p.Ser2846Thr)

Gene: TRIO (trio Rho guanine nucleotide exchange factor; plus strand). Cytogenetic location: 5p15.2.
Variant type: single nucleotide variant.
Coding change: c.8537G>C on transcript NM_007118.4 (MANE Select); coding-DNA position 8537, G replaced by C.
Protein change: p.Ser2846Thr; replaces serine 2846 with threonine.
Molecular consequence: missense variant. On other transcripts: non-coding transcript variant (1).
Genome position (GRCh38, 1-based): chr5:14,504,518, G>C. VCF-style: chr5-14504518-G-C. GRCh37 (hg19) VCF-style: chr5-14504627-G-C.
Other names: short protein forms S2846T.
Identifiers: ClinVar variation 3344781 (VCV003344781.1).